The following is an entry in ClinVar:

ClinVar aggregate classification (germline): Uncertain significance (1 of 4 stars; one submission).

Submission:

Labcorp Genetics (formerly Invitae), Labcorp
Classification: Uncertain significance. Last evaluated: 2022-05-06. Review status: criteria provided, single submitter. Criteria: Invitae Variant Classification Sherloc (09022015). Collection method: clinical testing. Allele origin: germline.
Comment: In summary, the available evidence is currently insufficient to determine the role of this variant in disease. Therefore, it has been classified as a Variant of Uncertain Significance. Algorithms developed to predict the effect of missense changes on protein structure and function are either unavailable or do not agree on the potential impact of this missense change (SIFT: "Not Available"; PolyPhen-2: "Possibly Damaging"; Align-GVGD: "Not Available"). This variant has not been reported in the literature in individuals affected with TOP3A-related conditions. This variant is not present in population databases (gnomAD no frequency). This sequence change replaces alanine, which is neutral and non-polar, with threonine, which is neutral and polar, at codon 590 of the TOP3A protein (p.Ala590Thr).

NM_004618.5(TOP3A):c.1768G>A (p.Ala590Thr)

Gene: TOP3A (DNA topoisomerase III alpha; minus strand). Cytogenetic location: 17p11.2.
Variant type: single nucleotide variant.
Coding change: c.1768G>A on transcript NM_004618.5 (MANE Select); coding-DNA position 1768, G replaced by A.
Protein change: p.Ala590Thr; replaces alanine 590 with threonine.
Molecular consequence: missense variant.
Genome position (GRCh38, 1-based): chr17:18,285,251, C>T on the plus strand (G>A on the coding strand, the complement: TOP3A is on the minus strand). VCF-style: chr17-18285251-C-T. GRCh37 (hg19) VCF-style: chr17-18188565-C-T.
Other names: c.1483G>A, p.Ala495Thr (NM_001320759.2); short protein forms A495T, A590T.
Identifiers: ClinVar variation 2123556 (VCV002123556.4), dbSNP rs2545599818, ClinGen allele CA398628838.